The following is an entry in ClinVar:

ClinVar aggregate classification (germline): Uncertain significance. Review status: criteria provided, multiple submitters, no conflicts (2 of 4 stars). 2 submissions from 2 submitters: Uncertain significance (2). Last evaluated 2025-06-15.

Conditions:
Hereditary cancer-predisposing syndrome. Also called: Hereditary Cancer Syndrome; Tumor predisposition; Hereditary neoplastic syndrome; Neoplastic Syndromes, Hereditary. Identifiers: Orphanet 140162, MedGen C0027672, MeSH D009386, MONDO:0015356.
Familial adenomatous polyposis 1 (FAP1). Also called: FAMILIAL ADENOMATOUS POLYPOSIS 1, ATTENUATED; POLYPOSIS, ADENOMATOUS INTESTINAL. Identifiers: MedGen C2713442, MONDO:0021056, OMIM 175100. Disease mechanism: loss of function.

gnomAD v4.1: 1 of 1,614,122 alleles (0.000062%); highest among the groups gnomAD compares: Non-Finnish European, 0.000085%; no homozygotes.

Submissions (2):

Labcorp Genetics (formerly Invitae), Labcorp
Classification: Uncertain significance for Familial adenomatous polyposis 1. Last evaluated: 2025-06-15. Review status: criteria provided, single submitter. Criteria: Invitae Variant Classification Sherloc (09022015). Collection method: clinical testing. Allele origin: germline.
Comment: This sequence change replaces tyrosine, which is neutral and polar, with serine, which is neutral and polar, at codon 1147 of the APC protein (p.Tyr1147Ser). This variant is not present in population databases (gnomAD no frequency). This variant has not been reported in the literature in individuals affected with APC-related conditions. ClinVar contains an entry for this variant (Variation ID: 647052). Invitae Evidence Modeling of protein sequence and biophysical properties (such as structural, functional, and spatial information, amino acid conservation, physicochemical variation, residue mobility, and thermodynamic stability) indicates that this missense variant is not expected to disrupt APC protein function with a negative predictive value of 95%. In summary, the available evidence is currently insufficient to determine the role of this variant in disease. Therefore, it has been classified as a Variant of Uncertain Significance.

Ambry Genetics
Classification: Uncertain significance for Hereditary cancer-predisposing syndrome. Last evaluated: 2025-01-23. Review status: criteria provided, single submitter. Criteria: Ambry Variant Classification Scheme 2023. Collection method: clinical testing. Allele origin: germline.
Comment: The p.Y1147S variant (also known as c.3440A>C), located in coding exon 15 of the APC gene, results from an A to C substitution at nucleotide position 3440. The tyrosine at codon 1147 is replaced by serine, an amino acid with dissimilar properties. This amino acid position is highly conserved in available vertebrate species. In addition, in silico predictors for this gene do not accurately predict pathogenicity. Missense alterations in APC are not a common cause of disease (Spier I et al. Genet Med. 2024 Feb;26(2):100992). Based on the available evidence, the clinical significance of this variant remains unclear.

NM_000038.6(APC):c.3440A>C (p.Tyr1147Ser)

Gene: APC (APC regulator of Wnt signaling pathway; plus strand). Cytogenetic location: 5q22.2.
Variant type: single nucleotide variant.
Coding change: c.3440A>C on transcript NM_000038.6 (MANE Select); coding-DNA position 3440, A replaced by C.
Protein change: p.Tyr1147Ser; replaces tyrosine 1147 with serine.
Molecular consequence: missense variant.
Genome position (GRCh38, 1-based): chr5:112,839,034, A>C. VCF-style: chr5-112839034-A-C. GRCh37 (hg19) VCF-style: chr5-112174731-A-C.
Other names: c.3440A>C, p.Tyr1147Ser (NM_001127510.3, NM_001354895.2); c.3386A>C, p.Tyr1129Ser (NM_001127511.3); c.3494A>C, p.Tyr1165Ser (NM_001354896.2); c.3470A>C, p.Tyr1157Ser (NM_001354897.2); c.3365A>C, p.Tyr1122Ser (NM_001354898.2); c.3356A>C, p.Tyr1119Ser (NM_001354899.2); c.3317A>C, p.Tyr1106Ser (NM_001354900.2); c.3263A>C, p.Tyr1088Ser (NM_001354901.2); and 5 more; short protein forms Y1021S, Y1046S, Y1088S, Y1106S, Y1119S, Y1129S, Y1147S, Y1165S.
Identifiers: ClinVar variation 647052 (VCV000647052.11), dbSNP rs1580635474, ClinGen allele CA16028873.
Genomic context (GRCh38, chr5:112,839,034, plus strand): 5'-AGTCTTTGTGTCAAGAAGATGACTATGAAGATGATAAGCCTACCAATTATAGTGAACGTT[A>C]CTCTGAAGAAGAACAGCATGAAGAAGAAGAGAGACCAACAAATTATAGCATAAAATATAA-3'
Protein context (NP_000029.2, residues 1137-1157): DDKPTNYSER[Tyr1147Ser]SEEEQHEEEE